The following is an entry in ClinVar:

NM_002150.3(HPD):c.142del (p.Arg48fs)

Genes: TIALD (transcript inducer of AURKA lysosomal degradation; plus strand), HPD (4-hydroxyphenylpyruvate dioxygenase; minus strand). Cytogenetic location: 12q24.31.
Variant type: Deletion.
Coding change: c.142del on transcript NM_002150.3 (MANE Select); coding-DNA position 142, one base deleted (A; older notation c.142delA).
Protein change: p.Arg48fs; shifts the reading frame from arginine 48.
Molecular consequence: frameshift variant.
Genome position (GRCh38, 1-based): chr12:121,857,384, T deleted on the plus strand (A on the coding strand, the reverse complement: HPD is on the minus strand). VCF-style (leftmost placement, unchanged base first): chr12-121857383-CT-C. GRCh37 (hg19) VCF-style: chr12-122295289-CT-C.
Other names: c.25del, p.Arg9fs (NM_001171993.2); short protein forms R48fs, R9fs.
Identifiers: ClinVar variation 2950625 (VCV002950625.3), dbSNP rs2500327565, ClinGen allele CA2621468963.

ClinVar aggregate classification (germline): Pathogenic (1 of 4 stars; one submission).

Conditions:
Hawkinsinuria. Identifiers: Orphanet 2118, MedGen C2931042, MONDO:0007700, OMIM 140350, HP:0034457.
Tyrosinemia type III. Also called: Tyrosinemia type 3; 4-alpha hydroxyphenylpyruvic acid oxidase deficiency; 4-alpha hydroxyphenylpyruvate dioxygenase deficiency; 4-Hydroxyphenylpyruvate dioxygenase deficiency; 4-HYDROXYPHENYLPYRUVIC ACID OXIDASE DEFICIENCY. Identifiers: Orphanet 69723, MedGen C0268623, MONDO:0010162, OMIM 276710.

Allele frequency attached by ClinVar (database versions not stated): gnomAD exomes below 0.00001.

Submission:

Labcorp Genetics (formerly Invitae), Labcorp
Classification: Pathogenic for Tyrosinemia type III; Hawkinsinuria. Last evaluated: 2023-08-03. Review status: criteria provided, single submitter. Criteria: Invitae Variant Classification Sherloc (09022015). Collection method: clinical testing. Allele origin: germline.
Comment: For these reasons, this variant has been classified as Pathogenic. This variant has not been reported in the literature in individuals affected with HPD-related conditions. This variant is not present in population databases (gnomAD no frequency). This sequence change creates a premature translational stop signal (p.Arg48Glyfs*14) in the HPD gene. It is expected to result in an absent or disrupted protein product. Loss-of-function variants in HPD are known to be pathogenic (PMID: 10942115, 23036342).

Literature cited by the submitters: PubMed 10942115; PubMed 23036342.